The following is an entry in ClinVar:

NM_000170.3(GLDC):c.1581-1G>A

Gene: GLDC (glycine decarboxylase; minus strand). Cytogenetic location: 9p24.1.
Variant type: single nucleotide variant.
Coding change: c.1581-1G>A on transcript NM_000170.3 (MANE Select); the canonical splice acceptor site of the intron before coding-DNA position 1581, G replaced by A.
Molecular consequence: splice acceptor variant.
Genome position (GRCh38, 1-based): chr9:6,588,703, C>T on the plus strand (G>A on the coding strand, the complement: GLDC is on the minus strand). VCF-style: chr9-6588703-C-T. GRCh37 (hg19) VCF-style: chr9-6588703-C-T.
Identifiers: ClinVar variation 4817852 (VCV004817852.1).

ClinVar aggregate classification (germline): Likely pathogenic (1 of 4 stars; one submission).

Conditions:
Glycine encephalopathy. Also called: Nonketotic hyperglycinemia; Non-ketotic hyperglycinemia. Identifiers: Orphanet 407, MedGen C0751748, MONDO:0011612, HP:0008288.

Submission:

Natera, Inc.
Classification: Likely pathogenic for Non-ketotic hyperglycinemia. Last evaluated: 2025-08-07. Review status: criteria provided, single submitter. Criteria: Natera Variant Classification Schema (03/2026). Collection method: clinical testing. Allele origin: germline.
Comment: The c.1581-1G>A variant in GLDC is a canonical splice acceptor site variant predicted to affect pre-mRNA splicing, which may result in an abnormal transcript and altered protein product. This variant is expected to result in nonsense mediated decay, truncation, or a dysfunctional protein product. This variant is rare in the general population with a frequency below the threshold expected for the associated phenotype(s). Given the available evidence, this variant is classified as Likely Pathogenic.